The following is an entry in ClinVar:

NM_000260.4(MYO7A):c.19-9C>A

Gene: MYO7A (myosin VIIA; plus strand). Cytogenetic location: 11q13.5.
Variant type: single nucleotide variant.
Coding change: c.19-9C>A on transcript NM_000260.4 (MANE Select); 9 bases into the intron before coding-DNA position 19, C replaced by A.
Molecular consequence: intron variant.
Genome position (GRCh38, 1-based): chr11:77,142,700, C>A. VCF-style: chr11-77142700-C-A. GRCh37 (hg19) VCF-style: chr11-76853746-C-A.
Other names: c.-15-9C>A (NM_001369365.1); c.19-9C>A (NM_001127180.2).
Identifiers: ClinVar variation 998593 (VCV000998593.8), dbSNP rs368452072, ClinGen allele CA1984099290.

ClinVar aggregate classification (germline): Uncertain significance (1 of 4 stars; one submission).

Submission:

Labcorp Genetics (formerly Invitae), Labcorp
Classification: Uncertain significance. Last evaluated: 2022-02-09. Review status: criteria provided, single submitter. Criteria: Invitae Variant Classification Sherloc (09022015). Collection method: clinical testing. Allele origin: germline.
Comment: In summary, the available evidence is currently insufficient to determine the role of this variant in disease. Therefore, it has been classified as a Variant of Uncertain Significance. Algorithms developed to predict the effect of sequence changes on RNA splicing suggest that this variant may disrupt the consensus splice site. ClinVar contains an entry for this variant (Variation ID: 998593). This variant has been observed in individual(s) with clinical features of M7O7A-related conditions (Invitae). This variant is not present in population databases (gnomAD no frequency). This sequence change falls in intron 2 of the MYO7A gene. It does not directly change the encoded amino acid sequence of the MYO7A protein.